The following is an entry in ClinVar:

NM_130468.4(CHST14):c.298G>A (p.Ala100Thr)

Gene: CHST14 (carbohydrate sulfotransferase 14; plus strand). Cytogenetic location: 15q15.1.
Variant type: single nucleotide variant.
Coding change: c.298G>A on transcript NM_130468.4 (MANE Select); coding-DNA position 298, G replaced by A.
Protein change: p.Ala100Thr; replaces alanine 100 with threonine.
Molecular consequence: missense variant.
Genome position (GRCh38, 1-based): chr15:40,471,511, G>A. VCF-style: chr15-40471511-G-A. GRCh37 (hg19) VCF-style: chr15-40763710-G-A.
Other names: short protein forms A100T.
Identifiers: ClinVar variation 3253265 (VCV003253265.2), dbSNP rs774196289.

ClinVar aggregate classification (germline): Uncertain significance. Review status: criteria provided, multiple submitters, no conflicts (2 of 4 stars). 2 submissions from 2 submitters: Uncertain significance (2). Last evaluated 2024-05-24.

Conditions:
Cardiovascular phenotype. Identifiers: MedGen CN230736.

Allele frequency attached by ClinVar (database versions not stated): gnomAD exomes 0.00001.

Submissions (2):

Ambry Genetics
Classification: Uncertain significance for Cardiovascular phenotype. Last evaluated: 2024-05-24. Review status: criteria provided, single submitter. Criteria: Ambry Variant Classification Scheme 2023. Collection method: clinical testing. Allele origin: germline.
Comment: The p.A100T variant (also known as c.298G>A), located in coding exon 1 of the CHST14 gene, results from a G to A substitution at nucleotide position 298. The alanine at codon 100 is replaced by threonine, an amino acid with similar properties. This amino acid position is conserved. In addition, this alteration is predicted to be tolerated by in silico analysis. Based on the available evidence, the clinical significance of this variant remains unclear.

GeneDx
Classification: Uncertain significance. Last evaluated: 2023-12-01. Review status: criteria provided, single submitter. Criteria: GeneDx Variant Classification Process June 2021. Collection method: clinical testing. Allele origin: germline. Affected: yes.
Comment: Not observed at significant frequency in large population cohorts (gnomAD); In silico analysis supports that this missense variant does not alter protein structure/function; Has not been previously published as pathogenic or benign to our knowledge